The following is an entry in ClinVar:

NM_000179.3(MSH6):c.183G>C (p.Ala61=)

Gene: MSH6 (mutS homolog 6; plus strand). Cytogenetic location: 2p16.3.
Variant type: single nucleotide variant.
Coding change: c.183G>C on transcript NM_000179.3 (MANE Select); coding-DNA position 183, G replaced by C.
Protein change: p.Ala61=; no amino-acid change (alanine 61 retained).
Molecular consequence: synonymous variant. On other transcripts: 5 prime UTR variant (1).
Genome position (GRCh38, 1-based): chr2:47,783,416, G>C. VCF-style: chr2-47783416-G-C. GRCh37 (hg19) VCF-style: chr2-48010555-G-C.
Other names: c.183G>C, p.Ala61= (NM_001281492.2); c.-554G>C (NM_001281493.2).
Identifiers: ClinVar variation 416173 (VCV000416173.22), dbSNP rs1060504757, ClinGen allele CA16610912.

ClinVar aggregate classification (germline): Benign/Likely benign. Review status: criteria provided, multiple submitters, no conflicts (2 of 4 stars). 5 submissions from 5 submitters: Benign (1); Likely benign (4). Last evaluated 2025-12-01.

Conditions:
Hereditary nonpolyposis colorectal neoplasms. Identifiers: MedGen C0009405, MeSH D003123.
Lynch syndrome 5 (LYNCH5). Also called: Colorectal cancer, hereditary nonpolyposis, type 5; Hereditary non-polyposis colorectal cancer, type 5. Identifiers: Orphanet 144, MedGen C1833477, MONDO:0013710, OMIM 614350. Disease mechanism: loss of function.
Hereditary cancer-predisposing syndrome. Also called: Tumor predisposition; Neoplastic Syndromes, Hereditary; Hereditary neoplastic syndrome; Hereditary Cancer Syndrome. Identifiers: Orphanet 140162, MedGen C0027672, MeSH D009386, MONDO:0015356.

Allele frequency attached by ClinVar (database versions not stated): TOPMed 0.00002.

Submissions (5):

Labcorp Genetics (formerly Invitae), Labcorp
Classification: Likely benign for Hereditary nonpolyposis colorectal neoplasms. Last evaluated: 2025-12-01. Review status: criteria provided, single submitter. Criteria: Invitae Variant Classification Sherloc (09022015). Collection method: clinical testing. Allele origin: germline.

Myriad Genetics, Inc.
Classification: Benign for Lynch syndrome 5. Last evaluated: 2024-12-17. Review status: criteria provided, single submitter. Criteria: Myriad Autosomal Dominant, Autosomal Recessive and X-Linked Classification Criteria (2023). Collection method: clinical testing. Allele origin: unknown.
Comment: This variant is considered benign. This variant is a silent/synonymous amino acid change and it is not expected to impact splicing.

Ambry Genetics
Classification: Likely benign for Hereditary cancer-predisposing syndrome. Last evaluated: 2022-11-26. Review status: criteria provided, single submitter. Criteria: Ambry Variant Classification Scheme 2023. Collection method: clinical testing. Allele origin: germline.

Mendelics
Classification: Likely benign for Lynch syndrome 5. Last evaluated: 2019-05-28. Review status: criteria provided, single submitter. Criteria: Mendelics Assertion Criteria 2017. Collection method: clinical testing. Allele origin: unknown.

Color Diagnostics, LLC DBA Color Health
Classification: Likely benign for Hereditary cancer-predisposing syndrome. Last evaluated: 2019-01-28. Review status: criteria provided, single submitter. Criteria: ACMG Guidelines, 2015. Collection method: clinical testing. Allele origin: germline.